The following is an entry in ClinVar:

NM_000051.4(ATM):c.4321A>C (p.Ile1441Leu)

Gene: ATM (ATM serine/threonine kinase; plus strand). Cytogenetic location: 11q22.3.
Variant type: single nucleotide variant.
Coding change: c.4321A>C on transcript NM_000051.4 (MANE Select); coding-DNA position 4321, A replaced by C.
Protein change: p.Ile1441Leu; replaces isoleucine 1441 with leucine.
Molecular consequence: missense variant.
Genome position (GRCh38, 1-based): chr11:108,289,686, A>C. VCF-style: chr11-108289686-A-C. GRCh37 (hg19) VCF-style: chr11-108160413-A-C.
Other names: c.4321A>C, p.Ile1441Leu (NM_001351834.2); short protein forms I1441L.
Identifiers: ClinVar variation 453514 (VCV000453514.19), dbSNP rs774886013, ClinGen allele CA6265435.

ClinVar aggregate classification (germline): Uncertain significance. Review status: criteria provided, multiple submitters, no conflicts (2 of 4 stars). 5 submissions from 5 submitters: Uncertain significance (4). 1 of the submissions does not count toward it. Last evaluated 2025-12-19.

Conditions:
Hereditary cancer-predisposing syndrome. Also called: Hereditary Cancer Syndrome; Tumor predisposition; Hereditary neoplastic syndrome; Neoplastic Syndromes, Hereditary. Identifiers: Orphanet 140162, MedGen C0027672, MeSH D009386, MONDO:0015356.
Ataxia-telangiectasia syndrome (AT). Also called: Cerebello-oculocutaneous telangiectasia; Immunodeficiency with ataxia telangiectasia; Ataxia-telangiectasia, complementation group D; ATAXIA-TELANGIECTASIA, COMPLEMENTATION GROUP A; ATAXIA-TELANGIECTASIA, FRESNO VARIANT; Ataxia telangiectasia (A-T). Identifiers: Orphanet 100, MedGen C0004135, MONDO:0008840, OMIM 208900.

Allele frequency attached by ClinVar (database versions not stated): gnomAD exomes 0.00001; TOPMed below 0.00001; ExAC 0.00003.
gnomAD v4.1: 11 of 1,613,600 alleles (0.00068%); highest among the groups gnomAD compares: Non-Finnish European, 0.00093%; no homozygotes.

Submissions (5):

GeneDx
Classification: Uncertain significance. Last evaluated: 2025-12-19. Review status: criteria provided, single submitter. Criteria: GeneDx Variant Classification Process June 2021. Collection method: clinical testing. Allele origin: germline.
Comment: Not observed at significant frequency in large population cohorts (gnomAD); In silico analysis suggests that this missense variant does not alter protein structure/function; Has not been previously published as pathogenic or benign to our knowledge

Labcorp Genetics (formerly Invitae), Labcorp
Classification: Uncertain significance for Ataxia-telangiectasia syndrome. Last evaluated: 2024-05-31. Review status: criteria provided, single submitter. Criteria: Invitae Variant Classification Sherloc (09022015). Collection method: clinical testing. Allele origin: germline.
Comment: This sequence change replaces isoleucine, which is neutral and non-polar, with leucine, which is neutral and non-polar, at codon 1441 of the ATM protein (p.Ile1441Leu). This variant is present in population databases (rs774886013, gnomAD 0.003%). This variant has not been reported in the literature in individuals affected with ATM-related conditions. ClinVar contains an entry for this variant (Variation ID: 453514). An algorithm developed to predict the effect of missense changes on protein structure and function (PolyPhen-2) suggests that this variant is likely to be tolerated. In summary, the available evidence is currently insufficient to determine the role of this variant in disease. Therefore, it has been classified as a Variant of Uncertain Significance.

Ambry Genetics
Classification: Uncertain significance for Hereditary cancer-predisposing syndrome. Last evaluated: 2024-01-07. Review status: criteria provided, single submitter. Criteria: Ambry Variant Classification Scheme 2023. Collection method: clinical testing. Allele origin: germline.
Comment: The p.I1441L variant (also known as c.4321A>C), located in coding exon 28 of the ATM gene, results from an A to C substitution at nucleotide position 4321. The isoleucine at codon 1441 is replaced by leucine, an amino acid with highly similar properties. This amino acid position is conserved. In addition, this alteration is predicted to be tolerated by in silico analysis. Since supporting evidence is limited at this time, the clinical significance of this alteration remains unclear.

Color Diagnostics, LLC DBA Color Health
Classification: Uncertain significance for Hereditary cancer-predisposing syndrome. Last evaluated: 2021-01-20. Review status: criteria provided, single submitter. Criteria: ACMG Guidelines, 2015. Collection method: clinical testing. Allele origin: germline.
Comment: This missense variant replaces isoleucine with leucine at codon 1441 of the ATM protein. Computational prediction suggests that this variant may not impact protein structure and function (internally defined REVEL score threshold <= 0.5, PMID: 27666373). To our knowledge, functional studies have not been reported for this variant. This variant has not been reported in individuals affected with hereditary cancer in the literature. This variant has been identified in 3/250816 chromosomes in the general population by the Genome Aggregation Database (gnomAD). The available evidence is insufficient to determine the role of this variant in disease conclusively. Therefore, this variant is classified as a Variant of Uncertain Significance.

Natera, Inc.
Classification: Uncertain significance for Ataxia-telangiectasia. Last evaluated: 2020-09-16. Review status: no assertion criteria provided. Collection method: clinical testing. Allele origin: germline. Not counted in ClinVar's aggregate classification.